The following is an entry in ClinVar:

NM_017514.5(PLXNA3):c.190C>T (p.Arg64Trp)

Gene: PLXNA3 (plexin A3; plus strand). Cytogenetic location: Xq28.
Variant type: single nucleotide variant.
Coding change: c.190C>T on transcript NM_017514.5 (MANE Select); coding-DNA position 190, C replaced by T.
Protein change: p.Arg64Trp; replaces arginine 64 with tryptophan.
Molecular consequence: missense variant.
Genome position (GRCh38, 1-based): chrX:154,460,373, C>T. VCF-style: chrX-154460373-C-T. GRCh37 (hg19) VCF-style: chrX-153688713-C-T.
Other names: short protein forms R64W.
Identifiers: ClinVar variation 3048878 (VCV003048878.2), dbSNP rs150180614, ClinGen allele CA10563617.

ClinVar aggregate classification (germline): Likely benign (0 of 4 stars; one submission).

Conditions:
PLXNA3-related disorder. Also called: PLXNA3-related condition.

Allele frequency attached by ClinVar (database versions not stated): gnomAD 0.00010; gnomAD exomes 0.00017; TOPMed 0.00021; 1000 Genomes Project 0.00026; ESP Exome Variant Server 0.00038; 1000 Genomes Project 30x 0.00042; ExAC 0.00044.
gnomAD v4.1: 197 of 1,208,411 alleles (0.016%); highest among the groups gnomAD compares: Admixed American, 0.11%; no homozygotes.

Submission:

PreventionGenetics, part of Exact Sciences
Classification: Likely benign for PLXNA3-related condition. Last evaluated: 2021-08-16. Review status: no assertion criteria provided. Collection method: clinical testing. Allele origin: germline.
Comment: This variant is classified as likely benign based on ACMG/AMP sequence variant interpretation guidelines (Richards et al. 2015 PMID: 25741868, with internal and published modifications).